The following is an entry in ClinVar:

NM_002769.5(PRSS1):c.337C>T (p.Leu113Phe)

Genes: PRSS1 (serine protease 1; plus strand), TRB (T cell receptor beta locus; plus strand). Cytogenetic location: 7q34.
Variant type: single nucleotide variant.
Coding change: c.337C>T on transcript NM_002769.5 (MANE Select); coding-DNA position 337, C replaced by T.
Protein change: p.Leu113Phe; replaces leucine 113 with phenylalanine.
Molecular consequence: missense variant. On other transcripts: non-coding transcript variant (4).
Genome position (GRCh38, 1-based): chr7:142,751,910, C>T. VCF-style: chr7-142751910-C-T. GRCh37 (hg19) VCF-style: chr7-142459761-C-T.
Other names: short protein forms L113F.
Identifiers: ClinVar variation 3310656 (VCV003310656.1).

ClinVar aggregate classification (germline): Uncertain significance (1 of 4 stars; one submission).

Conditions:
Hereditary pancreatitis (PCTT). Also called: PRSS1-Related Hereditary Pancreatitis; Hereditary chronic pancreatitis. Identifiers: Orphanet 676, MedGen C0238339, MONDO:0008185, OMIM 167800.

Submission:

Ambry Genetics
Classification: Uncertain significance for Hereditary pancreatitis. Last evaluated: 2024-05-16. Review status: criteria provided, single submitter. Criteria: Ambry Variant Classification Scheme 2023. Collection method: clinical testing. Allele origin: germline.
Comment: The p.L113F variant (also known as c.337C>T), located in coding exon 3 of the PRSS1 gene, results from a C to T substitution at nucleotide position 337. The leucine at codon 113 is replaced by phenylalanine, an amino acid with highly similar properties. This amino acid position is conserved. In addition, this alteration is predicted to be deleterious by in silico analysis. Based on the available evidence, the clinical significance of this variant remains unclear.